The following is an entry in ClinVar:

ClinVar aggregate classification (germline): Uncertain significance (1 of 4 stars; one submission).

gnomAD v4.1: 3 of 1,613,268 alleles (0.00019%); highest among the groups gnomAD compares: Admixed American, 0.005%; no homozygotes.

Submission:

GeneDx
Classification: Uncertain significance. Last evaluated: 2025-05-31. Review status: criteria provided, single submitter. Criteria: GeneDx Variant Classification Process June 2021. Collection method: clinical testing. Allele origin: germline. Affected: yes.
Comment: Not observed at significant frequency in large population cohorts (gnomAD); Missense variant in a gene in which most reported pathogenic variants are truncating/loss of function; Has not been previously published as pathogenic or benign to our knowledge

NM_001267550.2(TTN):c.85688C>A (p.Thr28563Asn)

Genes: TTN (titin; minus strand), TTN-AS1 (TTN antisense RNA 1; plus strand). Cytogenetic location: 2q31.2.
Variant type: single nucleotide variant.
Coding change: c.85688C>A on transcript NM_001267550.2 (MANE Select); coding-DNA position 85688, C replaced by A.
Protein change: p.Thr28563Asn; replaces threonine 28563 with asparagine.
Molecular consequence: missense variant.
Genome position (GRCh38, 1-based): chr2:178,560,444, G>T on the plus strand (C>A on the coding strand, the complement: TTN is on the minus strand). VCF-style: chr2-178560444-G-T. GRCh37 (hg19) VCF-style: chr2-179425171-G-T.
Other names: c.80765C>A, p.Thr26922Asn (NM_001256850.1); c.58493C>A, p.Thr19498Asn (NM_003319.4); c.77984C>A, p.Thr25995Asn (NM_133378.4); c.58868C>A, p.Thr19623Asn (NM_133432.3); c.59069C>A, p.Thr19690Asn (NM_133437.4); short protein forms T19498N, T19623N, T19690N, T25995N, T26922N, T28563N.
Identifiers: ClinVar variation 4532666 (VCV004532666.1).